The following is an entry in ClinVar:

NM_001754.5(RUNX1):c.705C>T (p.Ala235=)

Gene: RUNX1 (RUNX family transcription factor 1; minus strand). Cytogenetic location: 21q22.12.
Variant type: single nucleotide variant.
Coding change: c.705C>T on transcript NM_001754.5 (MANE Select); coding-DNA position 705, C replaced by T.
Protein change: p.Ala235=; no amino-acid change (alanine 235 retained).
Molecular consequence: synonymous variant.
Genome position (GRCh38, 1-based): chr21:34,834,510, G>A on the plus strand (C>T on the coding strand, the complement: RUNX1 is on the minus strand). VCF-style: chr21-34834510-G-A. GRCh37 (hg19) VCF-style: chr21-36206807-G-A.
Other names: NM_001754.5(RUNX1):c.705C>T; c.624C>T, p.Ala208= (NM_001001890.3, NM_001122607.2); c.705C>T (NM_001754.4).
Identifiers: ClinVar variation 532686 (VCV000532686.18), dbSNP rs772770088, ClinGen allele CA320603683.

ClinVar aggregate classification (germline): Likely benign. Review status: reviewed by expert panel (3 of 4 stars). 4 submissions from 4 submitters: Likely benign (1). 3 of the submissions do not count toward it. Last evaluated 2026-04-29.

Conditions:
Inborn genetic diseases. Identifiers: MedGen C0950123, MeSH D030342.
Hereditary thrombocytopenia and hematologic cancer predisposition syndrome. Identifiers: Orphanet 71290, MedGen CN281654, MONDO:0011071.
Hereditary cancer-predisposing syndrome. Also called: Tumor predisposition; Hereditary neoplastic syndrome; Neoplastic Syndromes, Hereditary; Hereditary Cancer Syndrome. Identifiers: Orphanet 140162, MedGen C0027672, MeSH D009386, MONDO:0015356.
Hereditary thrombocytopenia and hematological cancer predisposition syndrome associated with RUNX1. Also called: Familial Platelet Disorder with Propensity to Acute Myelogenous Leukemia; Familial thrombocytopenia with propensity to acute myelogenous leukemia; RUNX1 Familial Platelet Disorder with Associated Myeloid Malignancies; PLATELET DISORDER, ASPIRIN-LIKE. Identifiers: Orphanet 71290, MedGen C1832388, MeSH C563324, MONDO:0100083, OMIM 601399.

Allele frequency attached by ClinVar (database versions not stated): gnomAD exomes below 0.00001 and 0.00003; gnomAD 0.00001; TOPMed 0.00001.
gnomAD v4.1: 53 of 1,613,324 alleles (0.0033%); highest among the groups gnomAD compares: Non-Finnish European, 0.0042%; no homozygotes.

Submissions (4):

ClinGen Myeloid Malignancy Variant Curation Expert Panel
Classification: Likely benign for Hereditary thrombocytopenia and hematologic cancer predisposition syndrome. Last evaluated: 2026-04-29. Review status: reviewed by expert panel. Criteria: ClinGen MyeloMalig ACMG Specifications V3.1. Collection method: curation. Allele origin: germline. Inheritance: Autosomal dominant inheritance.
Comment: NM_001754.5(RUNX1):c.705C>T (p.Ala235=) is a synonymous variant which has a SpliceAI score ≤ 0.20 (0.02) (BP4, BP7). This variant has a MAF ≤ 0.00005 in gnomAD v4 across all subpopulations with at least 20x coverage for RUNX1 (PM2_supporting). In summary, this variant meets criteria to be classified as likely benign. ACMG/AMP criteria applied, as specified by the Myeloid Malignancy Variant Curation Expert Panel for RUNX1: BP4, BP7, PM2_supporting.

Labcorp Genetics (formerly Invitae), Labcorp
Classification: Likely benign for Hereditary thrombocytopenia and hematological cancer predisposition syndrome associated with RUNX1. Last evaluated: 2025-05-27. Review status: criteria provided, single submitter. Criteria: Invitae Variant Classification Sherloc (09022015). Collection method: clinical testing. Allele origin: germline. Not counted in ClinVar's aggregate classification.

Ambry Genetics
Classification: Likely benign for Inborn genetic diseases. Last evaluated: 2024-12-22. Review status: criteria provided, single submitter. Criteria: Ambry Variant Classification Scheme 2023. Collection method: clinical testing. Allele origin: germline. Not counted in ClinVar's aggregate classification.

Sema4
Classification: Likely benign for Hereditary cancer-predisposing syndrome. Last evaluated: 2021-08-27. Review status: criteria provided, single submitter. Criteria: Sema4 Curation Guidelines. Collection method: curation. Allele origin: germline. Not counted in ClinVar's aggregate classification.